The following is an entry in ClinVar:

NM_000492.4(CFTR):c.1234del (p.Ala412fs)

Genes: CFTR-AS1 (CFTR antisense RNA 1; minus strand), CFTR (CF transmembrane conductance regulator; plus strand). Cytogenetic location: 7q31.2.
Variant type: Deletion.
Coding change: c.1234del on transcript NM_000492.4 (MANE Select); coding-DNA position 1234, one base deleted (G; older notation c.1234delG).
Protein change: p.Ala412fs; shifts the reading frame from alanine 412.
Molecular consequence: frameshift variant.
Genome position (GRCh38, 1-based): chr7:117,548,665, G deleted. VCF-style (leftmost placement, unchanged base first): chr7-117548664-AG-A. GRCh37 (hg19) VCF-style: chr7-117188718-AG-A.
Other names: 1366delG; c.1234delG (NM_000492.3); short protein forms A412fs.
Identifiers: ClinVar variation 53220 (VCV000053220.5), dbSNP rs397508181, ClinGen allele CA326441.

ClinVar aggregate classification (germline): Pathogenic. Review status: criteria provided, multiple submitters, no conflicts (2 of 4 stars). 4 submissions from 4 submitters: Pathogenic (3). 1 of the submissions does not count toward it. Last evaluated 2025-12-18.

Conditions:
CFTR-related disorder (CFTR-RD). Also called: CFTR-related disorders; CFTR-related condition. Identifiers: MedGen C5924204, MONDO:7770004.
Cystic fibrosis (CF). Also called: MUCOVISCIDOSIS. Identifiers: Orphanet 586, MedGen C0010674, MONDO:0009061, OMIM 219700. Disease mechanism: loss of function.

Submissions (4):

Natera, Inc.
Classification: Pathogenic for CFTR-related disorders. Last evaluated: 2025-12-18. Review status: criteria provided, single submitter. Criteria: Natera Variant Classification Schema (03/2026). Collection method: clinical testing. Allele origin: germline.
Comment: The c.1234delG variant in CFTR is a frameshift variant predicted to shift the reading frame beginning at codon 412 and leads to a stop codon 30 codons downstream. This variant is expected to result in nonsense mediated decay, truncation, or a dysfunctional protein product. This variant is rare in the general population with a frequency below the threshold expected for the associated phenotype(s). This variant has been observed in one or more individuals affected with the associated recessive disease, as either homozygous or compound heterozygous with a second variant (PMID: 38901883, 33319812). Given the available evidence, this variant is classified as Pathogenic.

Ambry Genetics
Classification: Pathogenic for Cystic fibrosis. Last evaluated: 2023-04-27. Review status: criteria provided, single submitter. Criteria: Ambry Variant Classification Scheme 2023. Collection method: clinical testing. Allele origin: germline.
Comment: The c.1234delG pathogenic mutation, located in coding exon 10 of the CFTR gene, results from a deletion of one nucleotide at nucleotide position 1234, causing a translational frameshift with a predicted alternate stop codon (p.A412Qfs*30). This variant is considered to be rare based on population cohorts in the Genome Aggregation Database (gnomAD). This alteration is expected to result in loss of function by premature protein truncation or nonsense-mediated mRNA decay. As such, this alteration is interpreted as a disease-causing mutation.

Institute of Human Genetics, University of Leipzig Medical Center
Classification: Pathogenic for Cystic fibrosis. Last evaluated: 2022-09-05. Review status: criteria provided, single submitter. Criteria: ACMG Guidelines, 2015. Collection method: curation. Allele origin: unknown. Affected: yes. Observed: 1 variant allele.
Comment: The variant was classified in the context of a project re-classifying variants in the German Cystic Fibrosis Registry (Muko.e.V.). Criteria applied: PVS1, PM3, PM2_SUP

ClinVar Staff, National Center for Biotechnology Information (NCBI)
No classification provided. Condition: CFTR-related disorders. Review status: no classification provided. Collection method: literature only. Allele origin: germline. Affected: yes. Not counted in ClinVar's aggregate classification.

Literature cited by the submitters: PubMed 38901883 (cited by Natera, Inc.); PubMed 33319812 (cited by Natera, Inc.); PubMed 20059485 (cited by ClinVar Staff, National Center for Biotechnology Information (NCBI)).